The following is an entry in ClinVar:

NM_014251.3(SLC25A13):c.1762C>T (p.Arg588Ter)

Gene: SLC25A13 (solute carrier family 25 member 13; minus strand). Cytogenetic location: 7q21.3.
Variant type: single nucleotide variant.
Coding change: c.1762C>T on transcript NM_014251.3 (MANE Select); coding-DNA position 1762, C replaced by T.
Protein change: p.Arg588Ter; replaces arginine 588 with a stop codon.
Molecular consequence: nonsense. On other transcripts: non-coding transcript variant (1).
Genome position (GRCh38, 1-based): chr7:96,121,734, G>A on the plus strand (C>T on the coding strand, the complement: SLC25A13 is on the minus strand). VCF-style: chr7-96121734-G-A. GRCh37 (hg19) VCF-style: chr7-95751046-G-A.
Other names: c.1765C>T, p.Arg589Ter (NM_001160210.2); short protein forms R589*, R588*.
Identifiers: ClinVar variation 664925 (VCV000664925.9), dbSNP rs1261058897, ClinGen allele CA368257912.

ClinVar aggregate classification (germline): Pathogenic/Likely pathogenic. Review status: criteria provided, multiple submitters, no conflicts (2 of 4 stars). 3 submissions from 3 submitters: Pathogenic (2); Likely pathogenic (1). Last evaluated 2023-11-10.

Conditions:
Citrullinemia, type II, adult-onset (CDAA). Also called: CITRIN DEFICIENCY, ADOLESCENT OR ADULT ONSET. Identifiers: Orphanet 247585, MedGen CN295299, MONDO:0011326, OMIM 603471.
Neonatal intrahepatic cholestasis due to citrin deficiency (CDNI). Also called: CITRIN DEFICIENCY, NEONATAL OR INFANTILE ONSET; Neonatal-onset citrullinemia type II; Neonatal-onset citrullinemia type 2; Neonatal Intrahepatic Cholestasis Caused by Citrin Deficiency (NICCD). Identifiers: Orphanet 247598, MedGen C1853942, MONDO:0011601, OMIM 605814.
Citrin deficiency. Identifiers: Orphanet 247582, MedGen C1997910, MONDO:0016602.

Allele frequency attached by ClinVar (database versions not stated): gnomAD exomes below 0.00001; gnomAD 0.00001; TOPMed 0.00001.
gnomAD v4.1: 2 of 1,613,976 alleles (0.00012%); highest among the groups gnomAD compares: African/African-American, 0.0013%; no homozygotes.

Submissions (3):

Labcorp Genetics (formerly Invitae), Labcorp
Classification: Pathogenic for Citrin deficiency. Last evaluated: 2023-11-10. Review status: criteria provided, single submitter. Criteria: Invitae Variant Classification Sherloc (09022015). Collection method: clinical testing. Allele origin: germline.
Comment: This sequence change creates a premature translational stop signal (p.Arg588*) in the SLC25A13 gene. It is expected to result in an absent or disrupted protein product. Loss-of-function variants in SLC25A13 are known to be pathogenic (PMID: 10369257, 14680984, 27405544). This variant is not present in population databases (gnomAD no frequency). This variant has not been reported in the literature in individuals affected with SLC25A13-related conditions. ClinVar contains an entry for this variant (Variation ID: 664925). Algorithms developed to predict the effect of sequence changes on RNA splicing suggest that this variant may disrupt the consensus splice site. For these reasons, this variant has been classified as Pathogenic.

Baylor Genetics
Classification: Likely pathogenic for Citrullinemia, type II, adult-onset. Last evaluated: 2023-09-13. Review status: criteria provided, single submitter. Criteria: ACMG Guidelines, 2015. Collection method: clinical testing. Allele origin: unknown.

Juno Genomics, Hangzhou Juno Genomics, Inc
Classification: Pathogenic for Citrullinemia, type II, adult-onset; Neonatal intrahepatic cholestasis due to citrin deficiency. Review status: criteria provided, single submitter. Criteria: ACMG Guidelines, 2015. Collection method: clinical testing. Allele origin: germline.
Comment: Absent from controls (or at extremely low frequency if recessive) in Genome Aggregation Database.;Null variant in a gene where loss of function (LOF) is a known mechanism of disease.;For recessive disorders, detected in trans with a pathogenic variant.

Literature cited by the submitters: PubMed 10369257 (cited by Labcorp Genetics (formerly Invitae), Labcorp); PubMed 14680984 (cited by Labcorp Genetics (formerly Invitae), Labcorp); PubMed 27405544 (cited by Labcorp Genetics (formerly Invitae), Labcorp).